The following is an entry in ClinVar:

ClinVar aggregate classification (germline): Uncertain significance (1 of 4 stars; one submission).

Conditions:
Bardet-Biedl syndrome (BBS). Identifiers: Orphanet 110, MedGen C0752166, MONDO:0015229.

Submission:

Labcorp Genetics (formerly Invitae), Labcorp
Classification: Uncertain significance for Bardet-Biedl syndrome. Last evaluated: 2022-06-27. Review status: criteria provided, single submitter. Criteria: Invitae Variant Classification Sherloc (09022015). Collection method: clinical testing. Allele origin: germline.
Comment: This variant has not been reported in the literature in individuals affected with TRIM32-related conditions. This variant is not present in population databases (gnomAD no frequency). This sequence change replaces alanine, which is neutral and non-polar, with valine, which is neutral and non-polar, at codon 349 of the TRIM32 protein (p.Ala349Val). Algorithms developed to predict the effect of missense changes on protein structure and function are either unavailable or do not agree on the potential impact of this missense change (SIFT: "Deleterious"; PolyPhen-2: "Benign"; Align-GVGD: "Class C0"). In summary, the available evidence is currently insufficient to determine the role of this variant in disease. Therefore, it has been classified as a Variant of Uncertain Significance.

NM_012210.4(TRIM32):c.1046C>T (p.Ala349Val)

Genes: ASTN2 (astrotactin 2; minus strand), TRIM32 (tripartite motif containing 32; plus strand). Cytogenetic location: 9q33.1.
Variant type: single nucleotide variant.
Coding change: c.1046C>T on transcript NM_012210.4 (MANE Select); coding-DNA position 1046, C replaced by T.
Protein change: p.Ala349Val; replaces alanine 349 with valine.
Molecular consequence: missense variant. On other transcripts: intron variant (3).
Genome position (GRCh38, 1-based): chr9:116,698,788, C>T. VCF-style: chr9-116698788-C-T. GRCh37 (hg19) VCF-style: chr9-119461067-C-T.
Other names: c.1046C>T, p.Ala349Val (NM_001099679.2, NM_001379048.1, NM_001379049.1 and 1 more transcripts); c.2653+26983G>A (NM_014010.5); c.2794+26983G>A (NM_001365069.1); c.2806+26983G>A (NM_001365068.1); short protein forms A349V.
Identifiers: ClinVar variation 1519096 (VCV001519096.6), dbSNP rs774316527, ClinGen allele CA374650831.